The following is an entry in ClinVar:

NM_004115.4(FGF14):c.353G>T (p.Gly118Val)

Gene: FGF14 (fibroblast growth factor 14; minus strand). Cytogenetic location: 13q33.1.
Variant type: single nucleotide variant.
Coding change: c.353G>T on transcript NM_004115.4 (MANE Select); coding-DNA position 353, G replaced by T.
Protein change: p.Gly118Val; replaces glycine 118 with valine.
Molecular consequence: missense variant.
Genome position (GRCh38, 1-based): chr13:101,868,780, C>A on the plus strand (G>T on the coding strand, the complement: FGF14 is on the minus strand). VCF-style: chr13-101868780-C-A. GRCh37 (hg19) VCF-style: chr13-102521130-C-A.
Other names: c.101G>T, p.Gly34Val (NM_001321931.1, NM_001321942.1, NM_001321943.1 and 4 more transcripts); c.164G>T, p.Gly55Val (NM_001321944.1, NM_001321932.1, NM_001321936.1); c.251G>T, p.Gly84Val (NM_001321945.2, NM_001321948.2, NM_001379342.1); c.212G>T, p.Gly71Val (NM_001321947.2); c.173G>T, p.Gly58Val (NM_001321933.1, NM_001321938.2, NM_001321940.1); c.368G>T, p.Gly123Val (NM_001321937.2, NM_175929.3); c.257G>T, p.Gly86Val (NM_001321939.2); c.167G>T, p.Gly56Val (NM_001321941.2); short protein forms G118V, G123V, G34V, G55V, G56V, G58V, G71V, G84V.
Identifiers: ClinVar variation 4813514 (VCV004813514.1).

ClinVar aggregate classification (germline): Pathogenic (1 of 4 stars; one submission).

Conditions:
Spinocerebellar ataxia 27B, late-onset (SCA27B). Also called: GAA-FGF14-Related Ataxia. Identifiers: Orphanet 675216, MedGen C5774278, MONDO:0859340, OMIM 620174.

Submission:

Mendelics
Classification: Pathogenic for Spinocerebellar ataxia 27B, late-onset. Last evaluated: 2026-03-05. Review status: criteria provided, single submitter. Criteria: ACMG Guidelines, 2015. Collection method: clinical testing. Allele origin: unknown.
Comment: Likely pathogenic/Pathogenic according to ACMG criteria.